The following is an entry in ClinVar:

ClinVar aggregate classification (germline): Uncertain significance. Review status: criteria provided, multiple submitters, no conflicts (2 of 4 stars). 4 submissions from 4 submitters: Uncertain significance (4). Last evaluated 2026-01-26.

Conditions:
Fanconi anemia (FA). Also called: Fanconi's anemia. Identifiers: Orphanet 84, MedGen C0015625, MeSH D005199, MONDO:0019391.
Fanconi anemia complementation group I (FANCI). Also called: FANCI-Related Fanconi Anemia. Identifiers: Orphanet 84, MedGen C1836861, MONDO:0012186, OMIM 609053.

Allele frequency attached by ClinVar (database versions not stated): gnomAD 0.00001 and 0.00002; gnomAD exomes 0.00001 and 0.00002; TOPMed 0.00001; ExAC 0.00002; 1000 Genomes Project 30x 0.00031; 1000 Genomes Project 0.00040.
gnomAD v4.1: 19 of 1,614,198 alleles (0.0012%); highest among the groups gnomAD compares: East Asian, 0.016%; no homozygotes.

Submissions (4):

Labcorp Genetics (formerly Invitae), Labcorp
Classification: Uncertain significance for Fanconi anemia. Last evaluated: 2026-01-26. Review status: criteria provided, single submitter. Criteria: Invitae Variant Classification Sherloc (09022015). Collection method: clinical testing. Allele origin: germline.
Comment: This sequence change replaces leucine, which is neutral and non-polar, with valine, which is neutral and non-polar, at codon 1153 of the FANCI protein (p.Leu1153Val). This variant is present in population databases (rs368451326, gnomAD 0.02%). This missense change has been observed in individual(s) with clinical features of Fanconi Anemia (PMID: 30076350). ClinVar contains an entry for this variant (Variation ID: 665428). Invitae Evidence Modeling of protein sequence and biophysical properties (such as structural, functional, and spatial information, amino acid conservation, physicochemical variation, residue mobility, and thermodynamic stability) indicates that this missense variant is not expected to disrupt FANCI protein function with a negative predictive value of 80%. In summary, the available evidence is currently insufficient to determine the role of this variant in disease. Therefore, it has been classified as a Variant of Uncertain Significance.

Fulgent Genetics
Classification: Uncertain significance for Fanconi anemia complementation group I. Last evaluated: 2022-02-18. Review status: criteria provided, single submitter. Criteria: ACMG Guidelines, 2015. Collection method: clinical testing. Allele origin: unknown.

Blueprint Genetics
Classification: Uncertain significance. Last evaluated: 2020-03-25. Review status: criteria provided, single submitter. Criteria: ACMG Guidelines, 2015. Collection method: clinical testing. Allele origin: germline.

Illumina Laboratory Services, Illumina
Classification: Uncertain significance for Fanconi anemia complementation group I. Last evaluated: 2018-01-13. Review status: criteria provided, single submitter. Criteria: ICSL Variant Classification Criteria 13 December 2019. Collection method: clinical testing. Allele origin: germline.

Literature cited by the submitters: PubMed 30076350 (cited by Labcorp Genetics (formerly Invitae), Labcorp).

NM_001113378.2(FANCI):c.3457C>G (p.Leu1153Val)

Gene: FANCI (FA complementation group I; plus strand). Cytogenetic location: 15q26.1.
Variant type: single nucleotide variant.
Coding change: c.3457C>G on transcript NM_001113378.2 (MANE Select); coding-DNA position 3457, C replaced by G.
Protein change: p.Leu1153Val; replaces leucine 1153 with valine.
Molecular consequence: missense variant.
Genome position (GRCh38, 1-based): chr15:89,306,114, C>G. VCF-style: chr15-89306114-C-G. GRCh37 (hg19) VCF-style: chr15-89849345-C-G.
Other names: c.3178C>G, p.Leu1060Val (NM_001376910.1); c.3457C>G, p.Leu1153Val (NM_001376911.1); c.3277C>G, p.Leu1093Val (NM_018193.3); short protein forms L1093V, L1153V, L1060V.
Identifiers: ClinVar variation 665428 (VCV000665428.13), dbSNP rs368451326, ClinGen allele CA7723723.